The following is an entry in ClinVar:

ClinVar aggregate classification (germline): Uncertain significance (1 of 4 stars; one submission).

Allele frequency attached by ClinVar (database versions not stated): gnomAD exomes below 0.00001; TOPMed below 0.00001; ExAC 0.00001.
gnomAD v4.1: 3 of 1,612,854 alleles (0.00019%); highest among the groups gnomAD compares: East Asian, 0.0022%; no homozygotes.

Submission:

Labcorp Genetics (formerly Invitae), Labcorp
Classification: Uncertain significance. Last evaluated: 2023-05-20. Review status: criteria provided, single submitter. Criteria: Invitae Variant Classification Sherloc (09022015). Collection method: clinical testing. Allele origin: germline.
Comment: In summary, the available evidence is currently insufficient to determine the role of this variant in disease. Therefore, it has been classified as a Variant of Uncertain Significance. An algorithm developed to predict the effect of missense changes on protein structure and function (PolyPhen-2) suggests that this variant is likely to be tolerated. This variant has not been reported in the literature in individuals affected with RNF43-related conditions. This variant is present in population databases (rs778996473, gnomAD 0.0009%). This sequence change replaces arginine, which is basic and polar, with histidine, which is basic and polar, at codon 552 of the RNF43 protein (p.Arg552His).

NM_017763.6(RNF43):c.1655G>A (p.Arg552His)

Gene: RNF43 (ring finger protein 43; minus strand). Cytogenetic location: 17q22.
Variant type: single nucleotide variant.
Coding change: c.1655G>A on transcript NM_017763.6 (MANE Select); coding-DNA position 1655, G replaced by A.
Protein change: p.Arg552His; replaces arginine 552 with histidine.
Molecular consequence: missense variant.
Genome position (GRCh38, 1-based): chr17:58,358,121, C>T on the plus strand (G>A on the coding strand, the complement: RNF43 is on the minus strand). VCF-style: chr17-58358121-C-T. GRCh37 (hg19) VCF-style: chr17-56435482-C-T.
Other names: c.1655G>A, p.Arg552His (NM_001305544.3); c.1274G>A, p.Arg425His (NM_001305545.2); short protein forms R552H, R425H.
Identifiers: ClinVar variation 2888179 (VCV002888179.3), dbSNP rs778996473, ClinGen allele CA8673138.